The following is an entry in ClinVar:

ClinVar aggregate classification (germline): Uncertain significance. Review status: criteria provided, multiple submitters, no conflicts (2 of 4 stars). 2 submissions from 2 submitters: Uncertain significance (2). Last evaluated 2025-10-01.

Conditions:
Hereditary cancer-predisposing syndrome. Also called: Neoplastic Syndromes, Hereditary; Tumor predisposition; Hereditary Cancer Syndrome; Hereditary neoplastic syndrome. Identifiers: Orphanet 140162, MedGen C0027672, MeSH D009386, MONDO:0015356.
Ataxia-telangiectasia-like disorder (ATLD). Identifiers: MedGen C1858391, MONDO:0011457.

Allele frequency attached by ClinVar (database versions not stated): gnomAD exomes below 0.00001 and 0.00001; gnomAD 0.00001; TOPMed 0.00001.
gnomAD v4.1: 18 of 1,612,248 alleles (0.0011%); highest among the groups gnomAD compares: Non-Finnish European, 0.0015%; no homozygotes.

Submissions (2):

Ambry Genetics
Classification: Uncertain significance for Hereditary cancer-predisposing syndrome. Last evaluated: 2025-10-01. Review status: criteria provided, single submitter. Criteria: Ambry Variant Classification Scheme 2023. Collection method: clinical testing. Allele origin: germline.
Comment: The p.D113N variant (also known as c.337G>A), located in coding exon 4 of the MRE11A gene, results from a G to A substitution at nucleotide position 337. The aspartic acid at codon 113 is replaced by asparagine, an amino acid with highly similar properties. A similar variant that affects the same amino acid residue, p.D113G (c.338A>G), was reported in an individual who was compound heterozygous for another MRE11A variant, and had a Nijmegen breakage syndrome (NBS)-like phenotype with severe microcephaly (Matsumoto Y et al. DNA Repair (Amst.) 2011 Mar;10(3):314-21). This amino acid position is highly conserved in available vertebrate species. In addition, the in silico prediction for this alteration is inconclusive. Since supporting evidence is limited at this time, the clinical significance of p.D113N remains unclear.

Labcorp Genetics (formerly Invitae), Labcorp
Classification: Uncertain significance for Ataxia-telangiectasia-like disorder. Last evaluated: 2021-08-30. Review status: criteria provided, single submitter. Criteria: Invitae Variant Classification Sherloc (09022015). Collection method: clinical testing. Allele origin: germline.
Comment: This sequence change replaces aspartic acid with asparagine at codon 113 of the MRE11 protein (p.Asp113Asn). The aspartic acid residue is highly conserved and there is a small physicochemical difference between aspartic acid and asparagine. This variant is not present in population databases (ExAC no frequency). This variant has not been reported in the literature in individuals affected with MRE11-related conditions. ClinVar contains an entry for this variant (Variation ID: 231234). Algorithms developed to predict the effect of missense changes on protein structure and function are either unavailable or do not agree on the potential impact of this missense change (SIFT: "Deleterious"; PolyPhen-2: "Probably Damaging"; Align-GVGD: "Class C15"). In summary, the available evidence is currently insufficient to determine the role of this variant in disease. Therefore, it has been classified as a Variant of Uncertain Significance.

Literature cited by the submitters: PubMed 21227757 (cited by Ambry Genetics).

NM_005591.4(MRE11):c.337G>A (p.Asp113Asn)

Gene: MRE11 (MRE11 double strand break repair nuclease; minus strand). Cytogenetic location: 11q21.
Variant type: single nucleotide variant.
Coding change: c.337G>A on transcript NM_005591.4 (MANE Select); coding-DNA position 337, G replaced by A.
Protein change: p.Asp113Asn; replaces aspartic acid 113 with asparagine.
Molecular consequence: missense variant.
Genome position (GRCh38, 1-based): chr11:94,479,739, C>T on the plus strand (G>A on the coding strand, the complement: MRE11 is on the minus strand). VCF-style: chr11-94479739-C-T. GRCh37 (hg19) VCF-style: chr11-94212905-C-T.
Other names: c.337G>A, p.Asp113Asn (NM_001330347.2, NM_005590.4); short protein forms D113N.
Identifiers: ClinVar variation 231234 (VCV000231234.12), dbSNP rs876659042, ClinGen allele CA10579414.